The following is an entry in ClinVar:

NM_024675.4(PALB2):c.1733G>T (p.Ser578Ile)

Gene: PALB2 (partner and localizer of BRCA2; minus strand). Cytogenetic location: 16p12.2.
Variant type: single nucleotide variant.
Coding change: c.1733G>T on transcript NM_024675.4 (MANE Select); coding-DNA position 1733, G replaced by T.
Protein change: p.Ser578Ile; replaces serine 578 with isoleucine.
Molecular consequence: missense variant.
Genome position (GRCh38, 1-based): chr16:23,630,421, C>A on the plus strand (G>T on the coding strand, the complement: PALB2 is on the minus strand). VCF-style: chr16-23630421-C-A. GRCh37 (hg19) VCF-style: chr16-23641742-C-A.
Other names: p.S578I:AGT>ATT; short protein forms S578I.
Identifiers: ClinVar variation 128123 (VCV000128123.24), dbSNP rs587780207, ClinGen allele CA288419.

ClinVar aggregate classification (germline): Conflicting classifications of pathogenicity. Review status: criteria provided, conflicting classifications (1 of 4 stars). 6 submissions from 6 submitters: Uncertain significance (4); Likely benign (2). Last evaluated 2026-01-31.

Conditions:
Familial cancer of breast. Also called: BREAST CANCER, FAMILIAL; Hereditary breast cancer; hereditary breast carcinoma. Identifiers: Orphanet 227535, MedGen C0346153, MONDO:0016419, OMIM 114480. Disease mechanism: loss of function.
Pancreatic cancer, susceptibility to, 3. Identifiers: Orphanet 1333, MedGen C3150547, MONDO:0013236, OMIM 613348.
Fanconi anemia complementation group N. Also called: PALB2-Related Fanconi Anemia. Identifiers: Orphanet 84, MedGen C1835817, MONDO:0012565, OMIM 610832. Disease mechanism: loss of function.
Hereditary cancer-predisposing syndrome. Also called: Tumor predisposition; Hereditary Cancer Syndrome; Neoplastic Syndromes, Hereditary; Hereditary neoplastic syndrome. Identifiers: Orphanet 140162, MedGen C0027672, MeSH D009386, MONDO:0015356.

Allele frequency attached by ClinVar (database versions not stated): TOPMed below 0.00001; gnomAD 0.00001; gnomAD exomes 0.00001 and 0.00002.
gnomAD v4.1: 35 of 1,613,852 alleles (0.0022%); highest among the groups gnomAD compares: Non-Finnish European, 0.003%; no homozygotes.

Submissions (6):

Labcorp Genetics (formerly Invitae), Labcorp
Classification: Uncertain significance for Familial cancer of breast. Last evaluated: 2026-01-31. Review status: criteria provided, single submitter. Criteria: Invitae Variant Classification Sherloc (09022015). Collection method: clinical testing. Allele origin: germline.
Comment: This sequence change replaces serine, which is neutral and polar, with isoleucine, which is neutral and non-polar, at codon 578 of the PALB2 protein (p.Ser578Ile). This variant is present in population databases (rs587780207, gnomAD 0.002%). This variant has not been reported in the literature in individuals affected with PALB2-related conditions. ClinVar contains an entry for this variant (Variation ID: 128123). Invitae Evidence Modeling of protein sequence and biophysical properties (such as structural, functional, and spatial information, amino acid conservation, physicochemical variation, residue mobility, and thermodynamic stability) indicates that this missense variant is not expected to disrupt PALB2 protein function with a negative predictive value of 80%. In summary, the available evidence is currently insufficient to determine the role of this variant in disease. Therefore, it has been classified as a Variant of Uncertain Significance.

Myriad Genetics, Inc.
Classification: Likely benign for Familial cancer of breast. Last evaluated: 2025-01-14. Review status: criteria provided, single submitter. Criteria: Myriad Autosomal Dominant, Autosomal Recessive and X-Linked Classification Criteria (2023). Collection method: clinical testing. Allele origin: unknown.
Comment: This variant is considered likely benign. This variant is strongly associated with less severe personal and family histories of cancer, typical for individuals without pathogenic variants in this gene [PMID: 25085752].

Color Diagnostics, LLC DBA Color Health
Classification: Uncertain significance for Hereditary cancer-predisposing syndrome. Last evaluated: 2024-08-14. Review status: criteria provided, single submitter. Criteria: ACMG Guidelines, 2015. Collection method: clinical testing. Allele origin: germline.
Comment: This missense variant replaces serine with isoleucine at codon 578 of the PALB2 protein. Computational prediction suggests that this variant may not impact protein structure and function. To our knowledge, functional studies have not been reported for this variant. This variant has been detected in a breast cancer case-control meta-analysis in 1/60466 cases and 1/53461 unaffected individuals (PMID: 33471991; Leiden Open Variation Database DB-ID PALB2_010982). This variant has been identified in 3/281614 chromosomes in the general population by the Genome Aggregation Database (gnomAD). The available evidence is insufficient to determine the role of this variant in disease conclusively. Therefore, this variant is classified as a Variant of Uncertain Significance.

Ambry Genetics
Classification: Likely benign for Hereditary cancer-predisposing syndrome. Last evaluated: 2024-03-27. Review status: criteria provided, single submitter. Criteria: Ambry Variant Classification Scheme 2023. Collection method: clinical testing. Allele origin: germline.

GeneDx
Classification: Uncertain significance. Last evaluated: 2023-06-05. Review status: criteria provided, single submitter. Criteria: GeneDx Variant Classification Process June 2021. Collection method: clinical testing. Allele origin: germline. Affected: yes.
Comment: Not observed at significant frequency in large population cohorts (gnomAD); In silico analysis supports that this missense variant does not alter protein structure/function; Has not been previously published as pathogenic or benign to our knowledge

Fulgent Genetics
Classification: Uncertain significance for Familial cancer of breast; Fanconi anemia complementation group N; Pancreatic cancer, susceptibility to, 3. Last evaluated: 2021-11-17. Review status: criteria provided, single submitter. Criteria: ACMG Guidelines, 2015. Collection method: clinical testing. Allele origin: unknown.

Literature cited by the submitters: PubMed 25085752 (cited by Myriad Genetics, Inc.); PubMed 33471991 (cited by Color Diagnostics, LLC DBA Color Health).